The following is an entry in ClinVar:

NM_000214.3(JAG1):c.1762C>T (p.Pro588Ser)

Gene: JAG1 (jagged canonical Notch ligand 1; minus strand). Cytogenetic location: 20p12.2.
Variant type: single nucleotide variant.
Coding change: c.1762C>T on transcript NM_000214.3 (MANE Select); coding-DNA position 1762, C replaced by T.
Protein change: p.Pro588Ser; replaces proline 588 with serine.
Molecular consequence: missense variant.
Genome position (GRCh38, 1-based): chr20:10,647,062, G>A on the plus strand (C>T on the coding strand, the complement: JAG1 is on the minus strand). VCF-style: chr20-10647062-G-A. GRCh37 (hg19) VCF-style: chr20-10627710-G-A.
Other names: short protein forms P588S.
Identifiers: ClinVar variation 955478 (VCV000955478.9), dbSNP rs1321273663, ClinGen allele CA408236198.

ClinVar aggregate classification (germline): Uncertain significance (1 of 4 stars; one submission).

Conditions:
Alagille syndrome due to a JAG1 point mutation. Also called: HEPATIC DUCTULAR HYPOPLASIA, SYNDROMATIC; Alagille Syndrome 1; JAG1-Related Alagille Syndrome. Identifiers: Orphanet 261619, Orphanet 52, MedGen C1956125, MONDO:0016862, OMIM 118450.

Allele frequency attached by ClinVar (database versions not stated): TOPMed 0.00001.
gnomAD v4.1: 1 of 1,614,202 alleles (0.000062%); no homozygotes.

Submission:

Labcorp Genetics (formerly Invitae), Labcorp
Classification: Uncertain significance for Alagille syndrome due to a JAG1 point mutation. Last evaluated: 2022-06-03. Review status: criteria provided, single submitter. Criteria: Invitae Variant Classification Sherloc (09022015). Collection method: clinical testing. Allele origin: germline.
Comment: ClinVar contains an entry for this variant (Variation ID: 955478). In summary, the available evidence is currently insufficient to determine the role of this variant in disease. Therefore, it has been classified as a Variant of Uncertain Significance. Advanced modeling of protein sequence and biophysical properties (such as structural, functional, and spatial information, amino acid conservation, physicochemical variation, residue mobility, and thermodynamic stability) performed at Invitae indicates that this missense variant is not expected to disrupt JAG1 protein function. This variant has not been reported in the literature in individuals affected with JAG1-related conditions. This variant is not present in population databases (gnomAD no frequency). This sequence change replaces proline, which is neutral and non-polar, with serine, which is neutral and polar, at codon 588 of the JAG1 protein (p.Pro588Ser).